The following is an entry in ClinVar:

NM_001330360.2(POLA1):c.680T>A (p.Val227Asp)

Gene: POLA1 (DNA polymerase alpha 1, catalytic subunit; plus strand). Cytogenetic location: Xp22.11.
Variant type: single nucleotide variant.
Coding change: c.680T>A on transcript NM_001330360.2 (MANE Select); coding-DNA position 680, T replaced by A.
Protein change: p.Val227Asp; replaces valine 227 with aspartic acid.
Molecular consequence: missense variant. On other transcripts: non-coding transcript variant (2).
Genome position (GRCh38, 1-based): chrX:24,716,945, T>A. VCF-style: chrX-24716945-T-A. GRCh37 (hg19) VCF-style: chrX-24735062-T-A.
Other names: c.680T>A, p.Val227Asp (NM_001378303.1, NM_001440806.1); c.662T>A, p.Val221Asp (NM_016937.4); short protein forms V221D, V227D.
Identifiers: ClinVar variation 4759808 (VCV004759808.1).

ClinVar aggregate classification (germline): Uncertain significance (1 of 4 stars; one submission).

gnomAD v4.1: 2 of 1,191,269 alleles (0.00017%); highest among the groups gnomAD compares: Non-Finnish European, 0.00023%; no homozygotes.

Submission:

Labcorp Genetics (formerly Invitae), Labcorp
Classification: Uncertain significance. Last evaluated: 2025-11-12. Review status: criteria provided, single submitter. Criteria: Invitae Variant Classification Sherloc (09022015). Collection method: clinical testing. Allele origin: germline.
Comment: This sequence change replaces valine, which is neutral and non-polar, with aspartic acid, which is acidic and polar, at codon 221 of the POLA1 protein (p.Val221Asp). This variant is not present in population databases (gnomAD no frequency). This variant has not been reported in the literature in individuals affected with POLA1-related conditions. An algorithm developed to predict the effect of missense changes on protein structure and function (PolyPhen-2) suggests that this variant is likely to be tolerated. In summary, the available evidence is currently insufficient to determine the role of this variant in disease. Therefore, it has been classified as a Variant of Uncertain Significance.